The following is an entry in ClinVar:

ClinVar aggregate classification (germline): Uncertain significance (1 of 4 stars; one submission).

Conditions:
ALG1-congenital disorder of glycosylation. Also called: CDG Ik; ALG1-CDG; CONGENITAL DISORDER OF GLYCOSYLATION, TYPE Ik. Identifiers: Orphanet 79327, MedGen C2931005, MONDO:0012052, OMIM 608540.

Submission:

Labcorp Genetics (formerly Invitae), Labcorp
Classification: Uncertain significance for ALG1-congenital disorder of glycosylation. Last evaluated: 2021-07-04. Review status: criteria provided, single submitter. Criteria: Invitae Variant Classification Sherloc (09022015). Collection method: clinical testing. Allele origin: germline.
Comment: In summary, the available evidence is currently insufficient to determine the role of this variant in disease. Therefore, it has been classified as a Variant of Uncertain Significance. This sequence change replaces leucine with valine at codon 54 of the ALG1 protein (p.Leu54Val). The leucine residue is moderately conserved and there is a small physicochemical difference between leucine and valine. This variant is not present in population databases (ExAC no frequency). This variant has not been reported in the literature in individuals affected with ALG1-related conditions. Advanced modeling of protein sequence and biophysical properties (such as structural, functional, and spatial information, amino acid conservation, physicochemical variation, residue mobility, and thermodynamic stability) performed at Invitae indicates that this missense variant is expected to disrupt ALG1 protein function.

NM_019109.5(ALG1):c.160C>G (p.Leu54Val)

Genes: ALG1 (ALG1 chitobiosyldiphosphodolichol beta-mannosyltransferase; plus strand), LOC130058384 (ATAC-STARR-seq lymphoblastoid active region 10349; plus strand). Cytogenetic location: 16p13.3.
Variant type: single nucleotide variant.
Coding change: c.160C>G on transcript NM_019109.5 (MANE Select); coding-DNA position 160, C replaced by G.
Protein change: p.Leu54Val; replaces leucine 54 with valine.
Molecular consequence: missense variant.
Genome position (GRCh38, 1-based): chr16:5,072,009, C>G. VCF-style: chr16-5072009-C-G. GRCh37 (hg19) VCF-style: chr16-5122010-C-G.
Other names: short protein forms L54V.
Identifiers: ClinVar variation 1365724 (VCV001365724.8), dbSNP rs1956824877, ClinGen allele CA394678684.
Genomic context (GRCh38, chr16:5,072,009, plus strand): 5'-CATGTAGTAGCGGTGGTGCTGGGCGACGTGGGCCGCAGCCCCCGTATGCAGTACCACGCG[C>G]TGTCGTTGGCCATGCACGGCTTCTCGGTGACCCTCCTGGGGTTCTGCAGTGAGTGGCCAA-3'
Protein context (NP_061982.3, residues 44-64): GRSPRMQYHA[Leu54Val]SLAMHGFSVT